The following is an entry in ClinVar:

NM_002470.4(MYH3):c.3661_3663del (p.Glu1221del)

Gene: MYH3 (myosin heavy chain 3; minus strand). Cytogenetic location: 17p13.1.
Variant type: Deletion.
Coding change: c.3661_3663del on transcript NM_002470.4 (MANE Select); coding-DNA positions 3661 to 3663, 3 bases deleted (GAG; older notation c.3661_3663delGAG).
Protein change: p.Glu1221del; deletes glutamic acid 1221.
Molecular consequence: inframe deletion.
Genome position (GRCh38, 1-based): chr17:10,638,109-10,638,111, CTC deleted on the plus strand (GAG on the coding strand, the reverse complement: MYH3 is on the minus strand); deleting any 3 consecutive bases within chr17:10,638,109-10,638,113 gives the same sequence; the c. name uses the placement nearest the transcript's 3' end. VCF-style (leftmost placement, unchanged base first): chr17-10638108-TCTC-T. GRCh37 (hg19) VCF-style: chr17-10541425-TCTC-T.
Other names: c.3661_3663delGAG (NM_002470.4); c.3661_3663del (NM_002470.3); short protein forms E1221del.
Identifiers: ClinVar variation 1065363 (VCV001065363.2), dbSNP rs2142395080, ClinGen allele CA2499223898.

ClinVar aggregate classification (germline): Likely pathogenic. Review status: criteria provided, single submitter (1 of 4 stars). 2 submissions from 2 submitters: Likely pathogenic (1). 1 of the submissions does not count toward it. Last evaluated 2026-03-11.

Conditions:
MYH3-related disorder. Also called: MYH3-Related Disorders; MYH3-related condition. Identifiers: MedGen CN239329.

Submissions (2):

GeneDx
Classification: Likely pathogenic. Last evaluated: 2026-03-11. Review status: criteria provided, single submitter. Criteria: GeneDx Variant Classification Process June 2021. Collection method: clinical testing. Allele origin: germline.
Comment: Not observed at significant frequency in large population cohorts (gnomAD); In silico analysis supports a deleterious effect on protein structure/function; In-frame deletion of 1 amino acid(s) in a non-repeat region; This variant is associated with the following publications: (PMID: 35169139, 33726816, 31127727)

Beijing Key Laboratory for Genetic Research of Skeletal Deformity, Peking Union Medical College Hospital
Classification: Likely pathogenic for MYH3-related disorders. Last evaluated: 2021-01-01. Review status: no assertion criteria provided. Collection method: research. Allele origin: inherited. Affected: yes. Not counted in ClinVar's aggregate classification.